The following is an entry in ClinVar:

NM_000977.4(RPL13):c.557G>C (p.Arg186Pro)

Gene: RPL13 (ribosomal protein L13; plus strand). Cytogenetic location: 16q24.3.
Variant type: single nucleotide variant.
Coding change: c.557G>C on transcript NM_000977.4 (MANE Select); coding-DNA position 557, G replaced by C.
Protein change: p.Arg186Pro; replaces arginine 186 with proline.
Molecular consequence: missense variant.
Genome position (GRCh38, 1-based): chr16:89,562,963, G>C. VCF-style: chr16-89562963-G-C. GRCh37 (hg19) VCF-style: chr16-89629371-G-C.
Other names: c.416G>C, p.Arg139Pro (NM_001243131.1); c.557G>C, p.Arg186Pro (NM_033251.2); short protein forms R139P, R186P.
Identifiers: ClinVar variation 1697061 (VCV001697061.3), dbSNP rs139252401, ClinGen allele CA397422710.

ClinVar aggregate classification (germline): Uncertain significance (1 of 4 stars; one submission).

Submission:

GeneDx
Classification: Uncertain significance. Last evaluated: 2024-04-26. Review status: criteria provided, single submitter. Criteria: GeneDx Variant Classification Process June 2021. Collection method: clinical testing. Allele origin: germline. Affected: yes.
Comment: Not observed at significant frequency in large population cohorts (gnomAD); In silico analysis supports that this missense variant has a deleterious effect on protein structure/function; Has not been previously published as pathogenic or benign to our knowledge